The following is an entry in ClinVar:

ClinVar aggregate classification (germline): Conflicting classifications of pathogenicity. Review status: criteria provided, conflicting classifications (1 of 4 stars). 4 submissions from 4 submitters: Uncertain significance (3); Likely benign (1). Last evaluated 2025-12-28.

Conditions:
Inborn genetic diseases. Identifiers: MedGen C0950123, MeSH D030342.

Allele frequency attached by ClinVar (database versions not stated): ExAC 0.00002; gnomAD exomes 0.00003; TOPMed 0.00003; gnomAD 0.00004.
gnomAD v4.1: 49 of 1,614,068 alleles (0.003%); highest among the groups gnomAD compares: Middle Eastern, 0.2%; 1 homozygote.

Submissions (4):

Labcorp Genetics (formerly Invitae), Labcorp
Classification: Uncertain significance. Last evaluated: 2025-12-28. Review status: criteria provided, single submitter. Criteria: Invitae Variant Classification Sherloc (09022015). Collection method: clinical testing. Allele origin: germline.
Comment: This sequence change replaces methionine, which is neutral and non-polar, with leucine, which is neutral and non-polar, at codon 310 of the SCN3A protein (p.Met310Leu). This variant is present in population databases (rs776260027, gnomAD 0.006%). This variant has not been reported in the literature in individuals affected with SCN3A-related conditions. ClinVar contains an entry for this variant (Variation ID: 654174). Invitae Evidence Modeling of protein sequence and biophysical properties (such as structural, functional, and spatial information, amino acid conservation, physicochemical variation, residue mobility, and thermodynamic stability) indicates that this missense variant is not expected to disrupt SCN3A protein function with a negative predictive value of 95%. In summary, the available evidence is currently insufficient to determine the role of this variant in disease. Therefore, it has been classified as a Variant of Uncertain Significance.

Ambry Genetics
Classification: Uncertain significance for Inborn genetic diseases. Last evaluated: 2024-04-06. Review status: criteria provided, single submitter. Criteria: Ambry Variant Classification Scheme 2023. Collection method: clinical testing. Allele origin: germline.

CeGaT Center for Human Genetics Tuebingen
Classification: Likely benign. Last evaluated: 2023-06-01. Review status: criteria provided, single submitter. Criteria: CeGaT Center For Human Genetics Tuebingen Variant Classification Criteria Version 2. Collection method: clinical testing. Allele origin: germline. Affected: yes. Observed: 1 variant allele.
Comment: SCN3A: BP4

Revvity Omics, Revvity
Classification: Uncertain significance. Last evaluated: 2022-10-19. Review status: criteria provided, single submitter. Criteria: ACMG Guidelines, 2015. Collection method: clinical testing. Allele origin: germline.

NM_006922.4(SCN3A):c.928A>T (p.Met310Leu)

Gene: SCN3A (sodium voltage-gated channel alpha subunit 3; minus strand). Cytogenetic location: 2q24.3.
Variant type: single nucleotide variant.
Coding change: c.928A>T on transcript NM_006922.4 (MANE Select); coding-DNA position 928, A replaced by T.
Protein change: p.Met310Leu; replaces methionine 310 with leucine.
Molecular consequence: missense variant.
Genome position (GRCh38, 1-based): chr2:165,162,595, T>A on the plus strand (A>T on the coding strand, the complement: SCN3A is on the minus strand). VCF-style: chr2-165162595-T-A. GRCh37 (hg19) VCF-style: chr2-166019105-T-A.
Other names: c.928A>T, p.Met310Leu (NM_001081676.2, NM_001081677.2); short protein forms M310L.
Identifiers: ClinVar variation 654174 (VCV000654174.34), dbSNP rs776260027, ClinGen allele CA1939306.